The following is an entry in ClinVar:

ClinVar aggregate classification (germline): Likely benign (1 of 4 stars; one submission).

Conditions:
MKKS-related disorder. Also called: MKKS-related disorders; MKKS-related condition.

Submission:

PreventionGenetics, part of Exact Sciences
Classification: Likely benign for MKKS-related condition. Last evaluated: 2025-05-15. Review status: criteria provided, single submitter. Criteria: ACMG Guidelines, 2015. Collection method: clinical testing. Allele origin: germline.
Comment: This variant is classified as likely benign based on ACMG/AMP sequence variant interpretation guidelines (Richards et al. 2015 PMID: 25741868, with internal and published modifications).

NM_170784.3(MKKS):c.774A>G (p.Gly258=)

Gene: MKKS (MKKS centrosomal shuttling protein; minus strand). Cytogenetic location: 20p12.2.
Variant type: single nucleotide variant.
Coding change: c.774A>G on transcript NM_170784.3 (MANE Select); coding-DNA position 774, A replaced by G.
Protein change: p.Gly258=; no amino-acid change (glycine 258 retained).
Molecular consequence: synonymous variant.
Genome position (GRCh38, 1-based): chr20:10,412,741, T>C on the plus strand (A>G on the coding strand, the complement: MKKS is on the minus strand). VCF-style: chr20-10412741-T-C. GRCh37 (hg19) VCF-style: chr20-10393389-T-C.
Other names: c.774A>G, p.Gly258= (NM_018848.3).
Identifiers: ClinVar variation 4997812 (VCV004997812.1).